The following is an entry in ClinVar:

NM_003803.4(MYOM1):c.1922C>T (p.Pro641Leu)

Gene: MYOM1 (myomesin 1; minus strand). Cytogenetic location: 18p11.31.
Variant type: single nucleotide variant.
Coding change: c.1922C>T on transcript NM_003803.4 (MANE Select); coding-DNA position 1922, C replaced by T.
Protein change: p.Pro641Leu; replaces proline 641 with leucine.
Molecular consequence: missense variant.
Genome position (GRCh38, 1-based): chr18:3,142,042, G>A on the plus strand (C>T on the coding strand, the complement: MYOM1 is on the minus strand). VCF-style: chr18-3142042-G-A. GRCh37 (hg19) VCF-style: chr18-3142040-G-A.
Other names: c.1922C>T, p.Pro641Leu (NM_019856.2); short protein forms P641L.
Identifiers: ClinVar variation 851761 (VCV000851761.9), dbSNP rs138431527, ClinGen allele CA8874795.
Genomic context (GRCh38, chr18:3,142,042, plus strand): 5'-GGGGGCTTCCAGCTGAGCACCACATAGCTCCGGGTGGCCTCAGTGACAGAGAGGTCTGTC[G>A]GGGGGCCAGGCACAATACCCTCTGAAAAACAACAAGGAAAAATGAGAAGCACACATTCTG-3'
Protein context (NP_003794.3, residues 631-651): EPSEGIVPGP[Pro641Leu]TDLSVTEATR

ClinVar aggregate classification (germline): Uncertain significance. Review status: criteria provided, multiple submitters, no conflicts (2 of 4 stars). 2 submissions from 2 submitters: Uncertain significance (2). Last evaluated 2025-12-10.

Conditions:
Hypertrophic cardiomyopathy. Also called: HYPERTROPHIC MYOCARDIOPATHY. Identifiers: Orphanet 217569, MedGen C0007194, MeSH D002312, MONDO:0005045, HP:0001639.

Allele frequency attached by ClinVar (database versions not stated): gnomAD 0.00001; gnomAD exomes 0.00001 and 0.00002; ExAC 0.00002; 1000 Genomes Project 30x 0.00031; 1000 Genomes Project 0.00040.
gnomAD v4.1: 15 of 1,613,544 alleles (0.00093%); highest among the groups gnomAD compares: South Asian, 0.0022%; no homozygotes.

Submissions (2):

Labcorp Genetics (formerly Invitae), Labcorp
Classification: Uncertain significance for Hypertrophic cardiomyopathy. Last evaluated: 2025-12-10. Review status: criteria provided, single submitter. Criteria: Invitae Variant Classification Sherloc (09022015). Collection method: clinical testing. Allele origin: germline.
Comment: This sequence change replaces proline, which is neutral and non-polar, with leucine, which is neutral and non-polar, at codon 641 of the MYOM1 protein (p.Pro641Leu). This variant is present in population databases (rs138431527, gnomAD 0.01%). This variant has not been reported in the literature in individuals affected with MYOM1-related conditions. ClinVar contains an entry for this variant (Variation ID: 851761). Invitae Evidence Modeling of protein sequence and biophysical properties (such as structural, functional, and spatial information, amino acid conservation, physicochemical variation, residue mobility, and thermodynamic stability) has been performed for this missense variant. However, the output from this modeling did not meet the statistical confidence thresholds required to predict the impact of this variant on MYOM1 protein function. In summary, the available evidence is currently insufficient to determine the role of this variant in disease. Therefore, it has been classified as a Variant of Uncertain Significance.

Ambry Genetics
Classification: Uncertain significance. Last evaluated: 2025-03-03. Review status: criteria provided, single submitter. Criteria: Ambry Variant Classification Scheme 2023. Collection method: clinical testing. Allele origin: germline.
Comment: The p.P641L variant (also known as c.1922C>T), located in coding exon 13 of the MYOM1 gene, results from a C to T substitution at nucleotide position 1922. The proline at codon 641 is replaced by leucine, an amino acid with similar properties. This amino acid position is conserved. In addition, this alteration is predicted to be deleterious by in silico analysis. Based on the available evidence, the clinical significance of this variant remains unclear.